The following is an entry in ClinVar:

ClinVar aggregate classification (germline): not provided (0 of 4 stars; one submission).

Submission:

ZMPSTE24 homepage - Leiden Muscular Dystrophy pages
No classification provided. Review status: no classification provided. Collection method: not provided. Allele origin: germline.
Comment: has functional consequence

NM_005857.5(ZMPSTE24):c.954+2T>A

Gene: ZMPSTE24 (zinc metallopeptidase STE24; plus strand). Cytogenetic location: 1p34.2.
Variant type: single nucleotide variant.
Coding change: c.954+2T>A on transcript NM_005857.5 (MANE Select); the canonical splice donor site of the intron after coding-DNA position 954, T replaced by A.
Molecular consequence: splice donor variant.
Genome position (GRCh38, 1-based): chr1:40,281,529, T>A. VCF-style: chr1-40281529-T-A. GRCh37 (hg19) VCF-style: chr1-40747201-T-A.
Identifiers: ClinVar variation 140542 (VCV000140542.1), dbSNP rs312262688, ClinGen allele CA232770.